The following is an entry in ClinVar:

NM_005359.6(SMAD4):c.1212C>G (p.Asp404Glu)

Gene: SMAD4 (SMAD family member 4; plus strand). Cytogenetic location: 18q21.2.
Variant type: single nucleotide variant.
Coding change: c.1212C>G on transcript NM_005359.6 (MANE Select); coding-DNA position 1212, C replaced by G.
Protein change: p.Asp404Glu; replaces aspartic acid 404 with glutamic acid.
Molecular consequence: missense variant. On other transcripts: non-coding transcript variant (1).
Genome position (GRCh38, 1-based): chr18:51,067,091, C>G. VCF-style: chr18-51067091-C-G. GRCh37 (hg19) VCF-style: chr18-48593461-C-G.
Other names: c.1212C>G, p.Asp404Glu (NM_001407041.1, NM_001407042.1); short protein forms D404E.
Identifiers: ClinVar variation 3637573 (VCV003637573.2).
Genomic context (GRCh38, chr18:51,067,091, plus strand): 5'-CAAAGGTGTGCAGTTGGAATGTAAAGGTGAAGGTGATGTTTGGGTCAGGTGCCTTAGTGA[C>G]CACGCGGTCTTTGTACAGAGTTACTACTTAGACAGAGAAGCTGGGCGTGCACCTGGAGAT-3'
Protein context (NP_005350.1, residues 394-414): EGDVWVRCLS[Asp404Glu]HAVFVQSYYL

ClinVar aggregate classification (germline): Uncertain significance (1 of 4 stars; one submission).

Conditions:
Juvenile polyposis syndrome (JPS). Identifiers: Orphanet 2929, MedGen C0345893, MONDO:0017380, OMIM 174900.

Submission:

Labcorp Genetics (formerly Invitae), Labcorp
Classification: Uncertain significance for Juvenile polyposis syndrome. Last evaluated: 2024-04-03. Review status: criteria provided, single submitter. Criteria: Invitae Variant Classification Sherloc (09022015). Collection method: clinical testing. Allele origin: germline.
Comment: This sequence change replaces aspartic acid, which is acidic and polar, with glutamic acid, which is acidic and polar, at codon 404 of the SMAD4 protein (p.Asp404Glu). This variant is not present in population databases (gnomAD no frequency). This variant has not been reported in the literature in individuals affected with SMAD4-related conditions. Advanced modeling of protein sequence and biophysical properties (such as structural, functional, and spatial information, amino acid conservation, physicochemical variation, residue mobility, and thermodynamic stability) has been performed at Invitae for this missense variant, however the output from this modeling did not meet the statistical confidence thresholds required to predict the impact of this variant on SMAD4 protein function. In summary, the available evidence is currently insufficient to determine the role of this variant in disease. Therefore, it has been classified as a Variant of Uncertain Significance.